The following is an entry in ClinVar:

ClinVar aggregate classification (germline): Likely benign. Review status: criteria provided, multiple submitters, no conflicts (2 of 4 stars). 2 submissions from 2 submitters: Likely benign (2). Last evaluated 2025-10-01.

gnomAD v4.1: 352 of 1,614,156 alleles (0.022%); highest among the groups gnomAD compares: African/African-American, 0.38%; 3 homozygotes.

Submissions (2):

CeGaT Center for Human Genetics Tuebingen
Classification: Likely benign. Last evaluated: 2025-10-01. Review status: criteria provided, single submitter. Criteria: CeGaT Center For Human Genetics Tuebingen Variant Classification Criteria Version 2. Collection method: clinical testing. Allele origin: germline. Affected: yes. Observed: 1 variant allele.
Comment: HERC2: BP4, BP7

Blueprint Genetics
Classification: Likely benign. Last evaluated: 2024-07-18. Review status: criteria provided, single submitter. Criteria: ACMG Guidelines, 2015. Collection method: clinical testing. Allele origin: germline.

NM_004667.6(HERC2):c.1656C>T (p.His552=)

Gene: HERC2 (HECT and RLD domain containing E3 ubiquitin protein ligase 2; minus strand). Cytogenetic location: 15q13.1.
Variant type: single nucleotide variant.
Coding change: c.1656C>T on transcript NM_004667.6 (MANE Select); coding-DNA position 1656, C replaced by T.
Protein change: p.His552=; no amino-acid change (histidine 552 retained).
Molecular consequence: synonymous variant.
Genome position (GRCh38, 1-based): chr15:28,265,917, G>A on the plus strand (C>T on the coding strand, the complement: HERC2 is on the minus strand). VCF-style: chr15-28265917-G-A. GRCh37 (hg19) VCF-style: chr15-28511063-G-A.
Identifiers: ClinVar variation 4534122 (VCV004534122.7).
Genomic context (GRCh38, chr15:28,265,917, plus strand): 5'-CAGCTCCCCCTCGGCAGTGATGGCCGCACTGTAAGTGCTCCCGCAAGCGATGTGCACCAC[G>A]TGCTTCCCGGCCTGCTTTCCAGAGAAGGCGGAGATCACCTTAGGCTCCTCCAAAGGCCTT-3'
Protein context (NP_004658.3, residues 542-562): SAFSGKQAGK[His552=]VVHIACGSTY